The following is an entry in ClinVar:

ClinVar aggregate classification (germline): Pathogenic. Review status: criteria provided, single submitter (1 of 4 stars). 2 submissions from 2 submitters: Pathogenic (1). 1 of the submissions does not count toward it. Last evaluated 2024-05-02.

Conditions:
Familial thoracic aortic aneurysm and aortic dissection (TAAD). Also called: Thoracic aortic aneurysms and dissections. Identifiers: Orphanet 91387, MedGen C4707243, MONDO:0019625.
Marfan syndrome (MFS). Also called: Marfan syndrome type 1; Marfan syndrome, classic; Marfan's syndrome; FBN1-Related Marfan Syndrome; MARFAN SYNDROME, TYPE I. Identifiers: Orphanet 284963, Orphanet 558, MedGen C0024796, MONDO:0007947, OMIM 154700.

Submissions (2):

Labcorp Genetics (formerly Invitae), Labcorp
Classification: Pathogenic for Marfan syndrome; Familial thoracic aortic aneurysm and aortic dissection. Last evaluated: 2024-05-02. Review status: criteria provided, single submitter. Criteria: Invitae Variant Classification Sherloc (09022015). Collection method: clinical testing. Allele origin: germline.
Comment: This sequence change creates a premature translational stop signal (p.Glu966*) in the FBN1 gene. It is expected to result in an absent or disrupted protein product. Loss-of-function variants in FBN1 are known to be pathogenic (PMID: 17657824, 19293843). This variant is not present in population databases (gnomAD no frequency). This premature translational stop signal has been observed in individual(s) with clinical features of FBN1-related disease (PMID: 17657824, 29543232). ClinVar contains an entry for this variant (Variation ID: 517122). For these reasons, this variant has been classified as Pathogenic.

Centre for Genomic and Experimental Medicine, University of Edinburgh
Classification: Pathogenic for Familial thoracic aortic aneurysm and aortic dissection. Review status: no assertion criteria provided. Collection method: research. Allele origin: unknown. Affected: yes. Not counted in ClinVar's aggregate classification.

Literature cited by the submitters: PubMed 17657824 (cited by Labcorp Genetics (formerly Invitae), Labcorp); PubMed 19293843 (cited by Labcorp Genetics (formerly Invitae), Labcorp); PubMed 29543232 (cited by Labcorp Genetics (formerly Invitae), Labcorp).

NM_000138.5(FBN1):c.2896G>T (p.Glu966Ter)

Gene: FBN1 (fibrillin 1; minus strand). Cytogenetic location: 15q21.1.
Variant type: single nucleotide variant.
Coding change: c.2896G>T on transcript NM_000138.5 (MANE Select); coding-DNA position 2896, G replaced by T.
Protein change: p.Glu966Ter; replaces glutamic acid 966 with a stop codon.
Molecular consequence: nonsense.
Genome position (GRCh38, 1-based): chr15:48,490,037, C>A on the plus strand (G>T on the coding strand, the complement: FBN1 is on the minus strand). VCF-style: chr15-48490037-C-A. GRCh37 (hg19) VCF-style: chr15-48782234-C-A.
Other names: short protein forms E966*.
Identifiers: ClinVar variation 517122 (VCV000517122.10), dbSNP rs1555398830, ClinGen allele CA392329953.
Genomic context (GRCh38, chr15:48,490,037, plus strand): 5'-CCCCGACGGAGCAGCAGCAGGCGTCCATGCGGTGGCGGCCAGCAATAGGCAGGGTGCACT[C>A]CTCGTCCTCGTACCTCAGGAAGCAGGTTTCCAGGCGGATATCTGTCAGAGGGAATCAAGG-3'